The following is an entry in ClinVar:

ClinVar aggregate classification (germline): Uncertain significance (1 of 4 stars; one submission).

Submission:

Labcorp Genetics (formerly Invitae), Labcorp
Classification: Uncertain significance. Last evaluated: 2022-09-06. Review status: criteria provided, single submitter. Criteria: Invitae Variant Classification Sherloc (09022015). Collection method: clinical testing. Allele origin: germline.
Comment: This variant has not been reported in the literature in individuals affected with ABCB7-related conditions. This variant is not present in population databases (gnomAD no frequency). This sequence change replaces tyrosine, which is neutral and polar, with cysteine, which is neutral and slightly polar, at codon 523 of the ABCB7 protein (p.Tyr523Cys). Algorithms developed to predict the effect of missense changes on protein structure and function (SIFT, PolyPhen-2, Align-GVGD) all suggest that this variant is likely to be disruptive. Algorithms developed to predict the effect of sequence changes on RNA splicing suggest that this variant may create or strengthen a splice site. In summary, the available evidence is currently insufficient to determine the role of this variant in disease. Therefore, it has been classified as a Variant of Uncertain Significance.

NM_001271696.3(ABCB7):c.1565A>G (p.Tyr522Cys)

Gene: ABCB7 (ATP binding cassette subfamily B member 7; minus strand). Cytogenetic location: Xq13.3.
Variant type: single nucleotide variant.
Coding change: c.1565A>G on transcript NM_001271696.3 (MANE Select); coding-DNA position 1565, A replaced by G.
Protein change: p.Tyr522Cys; replaces tyrosine 522 with cysteine.
Molecular consequence: missense variant.
Genome position (GRCh38, 1-based): chrX:75,069,101, T>C on the plus strand (A>G on the coding strand, the complement: ABCB7 is on the minus strand). VCF-style: chrX-75069101-T-C. GRCh37 (hg19) VCF-style: chrX-74288936-T-C.
Other names: c.1445A>G, p.Tyr482Cys (NM_001271697.3); c.1487A>G, p.Tyr496Cys (NM_001271698.3); c.1448A>G, p.Tyr483Cys (NM_001271699.3); c.1568A>G, p.Tyr523Cys (NM_004299.6); short protein forms Y522C, Y482C, Y483C, Y523C, Y496C.
Identifiers: ClinVar variation 2057209 (VCV002057209.4), dbSNP rs2519819644, ClinGen allele CA413675419.